The following is an entry in ClinVar:

ClinVar aggregate classification (germline): Uncertain significance (1 of 4 stars; one submission).

Allele frequency attached by ClinVar (database versions not stated): gnomAD exomes below 0.00001; gnomAD 0.00001; TOPMed 0.00001.
gnomAD v4.1: 6 of 1,612,812 alleles (0.00037%); highest among the groups gnomAD compares: Admixed American, 0.0017%; no homozygotes.

Submission:

GeneDx
Classification: Uncertain significance. Last evaluated: 2022-04-19. Review status: criteria provided, single submitter. Criteria: GeneDx Variant Classification Process June 2021. Collection method: clinical testing. Allele origin: germline. Affected: yes.
Comment: Not observed at significant frequency in large population cohorts (gnomAD); In silico analysis supports that this missense variant has a deleterious effect on protein structure/function; Has not been previously published as pathogenic or benign to our knowledge

NM_001037333.3(CYFIP2):c.442C>T (p.Arg148Cys)

Gene: CYFIP2 (cytoplasmic FMR1 interacting protein 2; plus strand). Cytogenetic location: 5q33.3.
Variant type: single nucleotide variant.
Coding change: c.442C>T on transcript NM_001037333.3 (MANE Select); coding-DNA position 442, C replaced by T.
Protein change: p.Arg148Cys; replaces arginine 148 with cysteine.
Molecular consequence: missense variant.
Genome position (GRCh38, 1-based): chr5:157,300,769, C>T. VCF-style: chr5-157300769-C-T. GRCh37 (hg19) VCF-style: chr5-156727777-C-T.
Other names: c.364C>T, p.Arg122Cys (NM_001291721.2); c.442C>T, p.Arg148Cys (NM_001291722.2, NM_014376.4); short protein forms R122C, R148C.
Identifiers: ClinVar variation 1711892 (VCV001711892.2), dbSNP rs1758680375, ClinGen allele CA361966380.